The following is an entry in ClinVar:

NM_153614.4(DNAJB13):c.335-2A>G

Gene: DNAJB13 (DnaJ heat shock protein family (Hsp40) member B13; plus strand). Cytogenetic location: 11q13.4.
Variant type: single nucleotide variant.
Coding change: c.335-2A>G on transcript NM_153614.4 (MANE Select); the canonical splice acceptor site of the intron before coding-DNA position 335, A replaced by G.
Molecular consequence: splice acceptor variant.
Genome position (GRCh38, 1-based): chr11:73,964,876, A>G. VCF-style: chr11-73964876-A-G. GRCh37 (hg19) VCF-style: chr11-73675921-A-G.
Other names: c.161-2A>G (NM_001377263.1).
Identifiers: ClinVar variation 2752096 (VCV002752096.3), dbSNP rs1374843910, ClinGen allele CA381807093.

ClinVar aggregate classification (germline): Likely pathogenic (1 of 4 stars; one submission).

Allele frequency attached by ClinVar (database versions not stated): gnomAD exomes below 0.00001.
gnomAD v4.1: 2 of 1,612,646 alleles (0.00012%); highest among the groups gnomAD compares: East Asian, 0.0022%; no homozygotes.

Submission:

Labcorp Genetics (formerly Invitae), Labcorp
Classification: Likely pathogenic. Last evaluated: 2023-08-11. Review status: criteria provided, single submitter. Criteria: Invitae Variant Classification Sherloc (09022015). Collection method: clinical testing. Allele origin: germline.
Comment: This variant has not been reported in the literature in individuals affected with DNAJB13-related conditions. Algorithms developed to predict the effect of sequence changes on RNA splicing suggest that this variant may disrupt the consensus splice site. In summary, the currently available evidence indicates that the variant is pathogenic, but additional data are needed to prove that conclusively. Therefore, this variant has been classified as Likely Pathogenic. This variant is present in population databases (no rsID available, gnomAD 0.006%). This sequence change affects an acceptor splice site in intron 3 of the DNAJB13 gene. It is expected to disrupt RNA splicing. Variants that disrupt the donor or acceptor splice site typically lead to a loss of protein function (PMID: 16199547), and loss-of-function variants in DNAJB13 are known to be pathogenic (PMID: 27486783, 31650533).

Literature cited by the submitters: PubMed 16199547; PubMed 27486783; PubMed 31650533.